The following is an entry in ClinVar:

ClinVar aggregate classification (germline): Benign (0 of 4 stars; one submission).

Conditions:
STEAP2-related disorder. Also called: STEAP2-related condition.

Allele frequency attached by ClinVar (database versions not stated): 1000 Genomes Project 30x 0.00109; 1000 Genomes Project 0.00140; TOPMed 0.00322; gnomAD 0.00406; ESP Exome Variant Server 0.00423; ExAC 0.00446; gnomAD exomes 0.00498.

Submission:

PreventionGenetics, part of Exact Sciences
Classification: Benign for STEAP2-related condition. Last evaluated: 2019-06-26. Review status: no assertion criteria provided. Collection method: clinical testing. Allele origin: germline.
Comment: This variant is classified as benign based on ACMG/AMP sequence variant interpretation guidelines (Richards et al. 2015 PMID: 25741868, with internal and published modifications).

NM_001244944.2(STEAP2):c.851A>G (p.Tyr284Cys)

Gene: STEAP2 (STEAP2 metalloreductase; plus strand). Cytogenetic location: 7q21.13.
Variant type: single nucleotide variant.
Coding change: c.851A>G on transcript NM_001244944.2 (MANE Select); coding-DNA position 851, A replaced by G.
Protein change: p.Tyr284Cys; replaces tyrosine 284 with cysteine.
Molecular consequence: missense variant.
Genome position (GRCh38, 1-based): chr7:90,227,329, A>G. VCF-style: chr7-90227329-A-G. GRCh37 (hg19) VCF-style: chr7-89856643-A-G.
Other names: c.851A>G, p.Tyr284Cys (NM_001040665.2, NM_001040666.2, NM_001244945.2 and 2 more transcripts); short protein forms Y284C.
Identifiers: ClinVar variation 3042658 (VCV003042658.2), dbSNP rs138124501, ClinGen allele CA4332962.
Genomic context (GRCh38, chr7:90,227,329, plus strand): 5'-TTACTTTGCTCTCCCTAGTATACCTCGCAGGTCTTCTGGCAGCTGCTTATCAACTTTATT[A>G]CGGCACCAAGTATAGGAGATTTCCACCTTGGTTGGAAACCTGGTTACAGTGTAGAAAACA-3'
Protein context (NP_001231873.1, residues 274-294): GLLAAAYQLY[Tyr284Cys]GTKYRRFPPW